The following is an entry in ClinVar:

ClinVar aggregate classification (germline): Uncertain significance. Review status: criteria provided, multiple submitters, no conflicts (2 of 4 stars). 2 submissions from 2 submitters: Uncertain significance (2). Last evaluated 2026-08-31.

Conditions:
TSPAN12-related disorder. Also called: TSPAN12-related condition.

Allele frequency attached by ClinVar (database versions not stated): ExAC 0.00001; gnomAD 0.00001; gnomAD exomes 0.00001; TOPMed 0.00001.
gnomAD v4.1: 10 of 1,614,048 alleles (0.00062%); highest among the groups gnomAD compares: Middle Eastern, 0.016%; no homozygotes.

Submissions (2):

PreventionGenetics, part of Exact Sciences
Classification: Uncertain significance for TSPAN12-related condition. Last evaluated: 2026-08-31. Review status: criteria provided, single submitter. Criteria: ACMG Guidelines, 2015. Collection method: clinical testing. Allele origin: germline.
Comment: The TSPAN12 c.801C>G variant is predicted to result in the amino acid substitution p.Asn267Lys. To our knowledge, this variant has not been reported in the literature. This variant is reported in 0.0026% of alleles in individuals of European (Non-Finnish) descent in gnomAD. At this time, the clinical significance of this variant is uncertain due to the absence of conclusive functional and genetic evidence.

Labcorp Genetics (formerly Invitae), Labcorp
Classification: Uncertain significance. Last evaluated: 2021-10-15. Review status: criteria provided, single submitter. Criteria: Invitae Variant Classification Sherloc (09022015). Collection method: clinical testing. Allele origin: germline.
Comment: In summary, the available evidence is currently insufficient to determine the role of this variant in disease. Therefore, it has been classified as a Variant of Uncertain Significance. This sequence change replaces asparagine with lysine at codon 267 of the TSPAN12 protein (p.Asn267Lys). The asparagine residue is weakly conserved and there is a moderate physicochemical difference between asparagine and lysine. This variant is present in population databases (rs762717803, ExAC 0.001%). This variant has not been reported in the literature in individuals with TSPAN12-related conditions. Algorithms developed to predict the effect of missense changes on protein structure and function (SIFT, PolyPhen-2, Align-GVGD) all suggest that this variant is likely to be tolerated, but these predictions have not been confirmed by published functional studies and their clinical significance is uncertain.

NM_012338.4(TSPAN12):c.801C>G (p.Asn267Lys)

Gene: TSPAN12 (tetraspanin 12; minus strand). Cytogenetic location: 7q31.31.
Variant type: single nucleotide variant.
Coding change: c.801C>G on transcript NM_012338.4 (MANE Select); coding-DNA position 801, C replaced by G.
Protein change: p.Asn267Lys; replaces asparagine 267 with lysine.
Molecular consequence: missense variant.
Genome position (GRCh38, 1-based): chr7:120,788,709, G>C on the plus strand (C>G on the coding strand, the complement: TSPAN12 is on the minus strand). VCF-style: chr7-120788709-G-C. GRCh37 (hg19) VCF-style: chr7-120428763-G-C.
Other names: c.801C>G (NM_012338.3); short protein forms N267K.
Identifiers: ClinVar variation 1523069 (VCV001523069.7), dbSNP rs762717803, ClinGen allele CA4453799.
Genomic context (GRCh38, chr7:120,788,709, plus strand): 5'-AAAGATTCTTGACAGGCTTGGTTTCAACAGTTCTACTGAGGGACATGACAGGTGCTGAGA[G>C]TTGTCATTCTTCAAGGACATCATTTGGTCTGTCCCCGGCTCCCTTCTATCATAATACAGA-3'
Protein context (NP_036470.1, residues 257-277): TDQMMSLKND[Asn267Lys]SQHLSCPSVE